The following is an entry in ClinVar:

ClinVar aggregate classification (germline): Uncertain significance (1 of 4 stars; one submission).

Allele frequency attached by ClinVar (database versions not stated): TOPMed below 0.00001; gnomAD exomes 0.00002.
gnomAD v4.1: 26 of 1,613,696 alleles (0.0016%); highest among the groups gnomAD compares: Non-Finnish European, 0.002%; no homozygotes.

Submission:

GeneDx
Classification: Uncertain significance. Last evaluated: 2020-02-19. Review status: criteria provided, single submitter. Criteria: GeneDx Variant Classification Process June 2021. Collection method: clinical testing. Allele origin: germline. Affected: yes.
Comment: In silico analysis supports that this missense variant has a deleterious effect on protein structure/function; Has not been previously published as pathogenic or benign to our knowledge

NM_020971.3(SPTBN4):c.1349G>A (p.Arg450His)

Gene: SPTBN4 (spectrin beta, non-erythrocytic 4; plus strand). Cytogenetic location: 19q13.2.
Variant type: single nucleotide variant.
Coding change: c.1349G>A on transcript NM_020971.3 (MANE Select); coding-DNA position 1349, G replaced by A.
Protein change: p.Arg450His; replaces arginine 450 with histidine.
Molecular consequence: missense variant.
Genome position (GRCh38, 1-based): chr19:40,502,920, G>A. VCF-style: chr19-40502920-G-A. GRCh37 (hg19) VCF-style: chr19-41008827-G-A.
Other names: short protein forms R450H.
Identifiers: ClinVar variation 1312529 (VCV001312529.2), dbSNP rs756154554, ClinGen allele CA9445603.